The following is an entry in ClinVar:

NM_181872.6(DMRT2):c.178G>C (p.Glu60Gln)

Gene: DMRT2 (doublesex and mab-3 related transcription factor 2; plus strand). Cytogenetic location: 9p24.3.
Variant type: single nucleotide variant.
Coding change: c.178G>C on transcript NM_181872.6 (MANE Select); coding-DNA position 178, G replaced by C.
Protein change: p.Glu60Gln; replaces glutamic acid 60 with glutamine.
Molecular consequence: missense variant. On other transcripts: 5 prime UTR variant (1), non-coding transcript variant (1).
Genome position (GRCh38, 1-based): chr9:1,051,791, G>C. VCF-style: chr9-1051791-G-C. GRCh37 (hg19) VCF-style: chr9-1051791-G-C.
Other names: c.178G>C, p.Glu60Gln (NM_001370531.1, NM_001370533.1, NM_001387557.1 and 4 more transcripts); c.-473G>C (NM_001370532.1); short protein forms E60Q.
Identifiers: ClinVar variation 3502678 (VCV003502678.3).
Genomic context (GRCh38, chr9:1,051,791, plus strand): 5'-CCGCCGGCGGACGGGGACTGCGAGGACGACGAAGATGACGACGGGGTGGACGAAGACGCG[G>C]AAGAAGAGGGCGACGGCGAGGAGGCAGGCGCGTCCCCCGGGATGCCCGGCCAGCCGGAGC-3'
Protein context (NP_870987.2, residues 50-70): EDDDGVDEDA[Glu60Gln]EEGDGEEAGA

ClinVar aggregate classification (germline): Uncertain significance. Review status: criteria provided, multiple submitters, no conflicts (2 of 4 stars). 2 submissions from 2 submitters: Uncertain significance (2). Last evaluated 2025-08-13.

gnomAD v4.1: 27 of 1,509,042 alleles (0.0018%); highest among the groups gnomAD compares: African/African-American, 0.016%; no homozygotes.

Submissions (2):

Labcorp Genetics (formerly Invitae), Labcorp
Classification: Uncertain significance. Last evaluated: 2025-08-13. Review status: criteria provided, single submitter. Criteria: Invitae Variant Classification Sherloc (09022015). Collection method: clinical testing. Allele origin: germline.
Comment: This sequence change replaces glutamic acid, which is acidic and polar, with glutamine, which is neutral and polar, at codon 60 of the DMRT2 protein (p.Glu60Gln). This variant is present in population databases (rs775882642, gnomAD 0.01%). This variant has not been reported in the literature in individuals affected with DMRT2-related conditions. ClinVar contains an entry for this variant (Variation ID: 3502678). An algorithm developed to predict the effect of missense changes on protein structure and function (PolyPhen-2) suggests that this variant is likely to be tolerated. In summary, the available evidence is currently insufficient to determine the role of this variant in disease. Therefore, it has been classified as a Variant of Uncertain Significance.

Ambry Genetics
Classification: Uncertain significance. Last evaluated: 2024-12-03. Review status: criteria provided, single submitter. Criteria: Ambry Variant Classification Scheme 2023. Collection method: clinical testing. Allele origin: germline.